The following is an entry in ClinVar:

NM_000077.5(CDKN2A):c.106G>T (p.Ala36Ser)

Gene: CDKN2A (cyclin dependent kinase inhibitor 2A; minus strand). Cytogenetic location: 9p21.3.
Variant type: single nucleotide variant.
Coding change: c.106G>T on transcript NM_000077.5; coding-DNA position 106, G replaced by T.
Protein change: p.Ala36Ser; replaces alanine 36 with serine.
Molecular consequence: missense variant (on NM_000077.6). On other transcripts: intron variant (2).
Genome position (GRCh38, 1-based): chr9:21,974,722, C>A on the plus strand (G>T on the coding strand, the complement: CDKN2A is on the minus strand). VCF-style: chr9-21974722-C-A. GRCh37 (hg19) VCF-style: chr9-21974721-C-A.
Other names: c.106G>T, p.Ala36Ser (NM_000077.6, NM_001195132.2, NM_058197.5); c.-3-3514G>T (NM_001363763.2); c.194-3514G>T (NM_058195.4); short protein forms A36S.
Identifiers: ClinVar variation 532277 (VCV000532277.11), dbSNP rs777948908, ClinGen allele CA5012315.

ClinVar aggregate classification (germline): Uncertain significance. Review status: criteria provided, multiple submitters, no conflicts (2 of 4 stars). 3 submissions from 3 submitters: Uncertain significance (3). Last evaluated 2025-03-10.

Conditions:
Familial melanoma. Also called: Hereditary melanoma; Hereditary cutaneous melanoma. Identifiers: Orphanet 618, MedGen C1512419, MONDO:0018961.
Hereditary cancer-predisposing syndrome. Also called: Hereditary neoplastic syndrome; Tumor predisposition; Neoplastic Syndromes, Hereditary; Hereditary Cancer Syndrome. Identifiers: Orphanet 140162, MedGen C0027672, MeSH D009386, MONDO:0015356.

Allele frequency attached by ClinVar (database versions not stated): gnomAD exomes below 0.00001; ExAC 0.00001.
gnomAD v4.1: 3 of 1,612,994 alleles (0.00019%); highest among the groups gnomAD compares: Non-Finnish European, 0.00025%; no homozygotes.

Submissions (3):

Labcorp Genetics (formerly Invitae), Labcorp
Classification: Uncertain significance for Familial melanoma. Last evaluated: 2025-03-10. Review status: criteria provided, single submitter. Criteria: Invitae Variant Classification Sherloc (09022015). Collection method: clinical testing. Allele origin: germline.
Comment: This sequence change replaces alanine, which is neutral and non-polar, with serine, which is neutral and polar, at codon 36 of the CDKN2A (p16INK4a) protein (p.Ala36Ser). This variant is present in population databases (rs777948908, gnomAD 0.0009%). This variant has not been reported in the literature in individuals affected with CDKN2A (p16INK4a)-related conditions. ClinVar contains an entry for this variant (Variation ID: 532277). An algorithm developed to predict the effect of missense changes on protein structure and function (PolyPhen-2) suggests that this variant is likely to be disruptive. In summary, the available evidence is currently insufficient to determine the role of this variant in disease. Therefore, it has been classified as a Variant of Uncertain Significance.

Ambry Genetics
Classification: Uncertain significance for Hereditary cancer-predisposing syndrome. Last evaluated: 2021-01-27. Review status: criteria provided, single submitter. Criteria: Ambry Variant Classification Scheme 2023. Collection method: clinical testing. Allele origin: germline.
Comment: The p.A36S variant (also known as c.106G>T), located in coding exon 1 of the CDKN2A gene, results from a G to T substitution at nucleotide position 106. The alanine at codon 36 is replaced by serine, an amino acid with similar properties. This alteration has been reported in 1/1197 individuals from Greece, Romania, and Turkey undergoing evaluation for inherited cancer predisposition (Tsaousis GN et al. BMC Cancer, 2019 Jun;19:535). This amino acid position is not well conserved in available vertebrate species. In addition, the in silico prediction for this alteration is inconclusive. Since supporting evidence is limited at this time, the clinical significance of this alteration remains unclear.

GeneKor MSA
Classification: Uncertain significance for Hereditary cancer-predisposing syndrome. Last evaluated: 2018-08-01. Review status: criteria provided, single submitter. Criteria: ACMG Guidelines, 2015. Collection method: clinical testing. Allele origin: germline. Affected: yes.

Literature cited by the submitters: PubMed 31159747 (cited by Ambry Genetics).